The following is an entry in ClinVar:

ClinVar aggregate classification (germline): Conflicting classifications of pathogenicity. Review status: criteria provided, conflicting classifications (1 of 4 stars). 7 submissions from 7 submitters: Uncertain significance (3); Benign (1); Likely benign (2). 1 of the submissions does not count toward it. Last evaluated 2026-01-27.

Conditions:
SMARCA4-related disorder. Also called: SMARCA4-related condition.
Hereditary cancer-predisposing syndrome. Also called: Tumor predisposition; Neoplastic Syndromes, Hereditary; Hereditary neoplastic syndrome; Hereditary Cancer Syndrome. Identifiers: Orphanet 140162, MedGen C0027672, MeSH D009386, MONDO:0015356.
Intellectual disability, autosomal dominant 16 (CSS4). Also called: COFFIN-SIRIS SYNDROME 4. Identifiers: Orphanet 1465, MedGen C3553249, MONDO:0013821, OMIM 614609.
Rhabdoid tumor predisposition syndrome 2 (RTPS2). Identifiers: Orphanet 231108, Orphanet 69077, MedGen C2750074, MONDO:0013224, OMIM 613325.

Allele frequency attached by ClinVar (database versions not stated): gnomAD exomes 0.00001 and 0.00004; ExAC 0.00003; gnomAD 0.00014 and 0.00017; ESP Exome Variant Server 0.00015; TOPMed 0.00017.

Submissions (7):

Labcorp Genetics (formerly Invitae), Labcorp
Classification: Likely benign for Rhabdoid tumor predisposition syndrome 2. Last evaluated: 2026-01-27. Review status: criteria provided, single submitter. Criteria: Invitae Variant Classification Sherloc (09022015). Collection method: clinical testing. Allele origin: germline.

Quest Diagnostics Nichols Institute San Juan Capistrano
Classification: Likely benign. Last evaluated: 2025-04-23. Review status: criteria provided, single submitter. Criteria: Quest Diagnostics criteria. Collection method: clinical testing. Allele origin: unknown.

GeneDx
Classification: Uncertain significance. Last evaluated: 2024-10-25. Review status: criteria provided, single submitter. Criteria: GeneDx Variant Classification Process June 2021. Collection method: clinical testing. Allele origin: germline.
Comment: In silico analysis indicates that this missense variant does not alter protein structure/function; Observed in a patient with glioma (PMID: 26580448); This variant is associated with the following publications: (PMID: 26580448)

Ambry Genetics
Classification: Benign for Hereditary cancer-predisposing syndrome. Last evaluated: 2022-12-01. Review status: criteria provided, single submitter. Criteria: Ambry Variant Classification Scheme 2023. Collection method: clinical testing. Allele origin: germline.

Genome-Nilou Lab
Classification: Uncertain significance for Intellectual disability, autosomal dominant 16. Last evaluated: 2021-07-15. Review status: criteria provided, single submitter. Criteria: ACMG Guidelines, 2015. Collection method: clinical testing. Allele origin: germline. Affected: no.

Sema4
Classification: Uncertain significance for Hereditary cancer-predisposing syndrome. Last evaluated: 2021-05-24. Review status: criteria provided, single submitter. Criteria: Sema4 Curation Guidelines. Collection method: curation. Allele origin: germline.
Comment: The SMARCA4 c.425G>T (p.G142V) variant has been reported in a pediatric patient with glioblastoma (PMID: 26580448). It was observed in 15/24826 chromosomes of the African/African American subpopulation in the large and broad cohorts of the Genome Aggregation Database (PMID: 32461654). The variant has been reported in ClinVar (Variation ID 408660). In silico tools suggest the impact of the variant on protein function is inconclusive though these predictions have not been confirmed by functional studies. The evidence is insufficient to meet ACMG/AMP criteria for classifying the variant as benign or pathogenic. Thus, the clinical significance of this variant is currently uncertain.

PreventionGenetics, part of Exact Sciences
Classification: Likely benign for SMARCA4-related condition. Last evaluated: 2022-09-01. Review status: no assertion criteria provided. Collection method: clinical testing. Allele origin: germline. Not counted in ClinVar's aggregate classification.
Comment: This variant is classified as likely benign based on ACMG/AMP sequence variant interpretation guidelines (Richards et al. 2015 PMID: 25741868, with internal and published modifications).

Literature cited by the submitters: PubMed 26580448 (cited by 3 submitters).

NM_003072.5(SMARCA4):c.425G>T (p.Gly142Val)

Gene: SMARCA4 (SWI/SNF related BAF chromatin remodeling complex subunit ATPase 4; plus strand). Cytogenetic location: 19p13.2.
Variant type: single nucleotide variant.
Coding change: c.425G>T on transcript NM_003072.5 (MANE Select); coding-DNA position 425, G replaced by T.
Protein change: p.Gly142Val; replaces glycine 142 with valine.
Molecular consequence: missense variant. On other transcripts: non-coding transcript variant (1).
Genome position (GRCh38, 1-based): chr19:10,986,258, G>T. VCF-style: chr19-10986258-G-T. GRCh37 (hg19) VCF-style: chr19-11096934-G-T.
Other names: c.425G>T, p.Gly142Val (NM_001128844.3, NM_001128845.2, NM_001128846.2 and 5 more transcripts); short protein forms G142V.
Identifiers: ClinVar variation 408660 (VCV000408660.23), dbSNP rs145749221, ClinGen allele CA9203506.